The following is an entry in ClinVar:

NM_001159699.2(FHL1):c.110A>C (p.Gln37Pro)

Gene: FHL1 (four and a half LIM domains 1; plus strand). Cytogenetic location: Xq26.3.
Variant type: single nucleotide variant.
Coding change: c.110A>C on transcript NM_001159699.2 (MANE Select); coding-DNA position 110, A replaced by C.
Protein change: p.Gln37Pro; replaces glutamine 37 with proline.
Molecular consequence: missense variant. On other transcripts: non-coding transcript variant (1).
Genome position (GRCh38, 1-based): chrX:136,206,494, A>C. VCF-style: chrX-136206494-A-C. GRCh37 (hg19) VCF-style: chrX-135288653-A-C.
Other names: c.62A>C, p.Gln21Pro (NM_001159700.2, NM_001159702.3, NM_001159703.2 and 9 more transcripts); c.149A>C, p.Gln50Pro (NM_001159701.2); c.110A>C, p.Gln37Pro (NM_001330659.2, NM_001440769.1); short protein forms Q50P, Q21P, Q37P.
Identifiers: ClinVar variation 4721607 (VCV004721607.1).
Genomic context (GRCh38, chrX:136,206,494, plus strand): 5'-TGGCGGAGAAGTTTGACTGCCACTACTGCAGGGATCCCTTGCAGGGGAAGAAGTATGTGC[A>C]AAAGGATGGCCACCACTGCTGCCTGAAATGCTTTGACAAGTTCTGTGCCAACACCTGTGT-3'
Protein context (NP_001153171.1, residues 27-47): RDPLQGKKYV[Gln37Pro]KDGHHCCLKC

ClinVar aggregate classification (germline): Uncertain significance (1 of 4 stars; one submission).

Conditions:
X-linked myopathy with postural muscle atrophy. Also called: FHL1-Related Emery-Dreifuss Muscular Dystrophy, X-Linked. Identifiers: Orphanet 178461, MedGen C2678055, MONDO:0010401, OMIM 300696.

gnomAD v4.1: 1 of 1,212,447 alleles (0.000082%); highest among the groups gnomAD compares: Non-Finnish European, 0.00011%; no homozygotes.

Submission:

Labcorp Genetics (formerly Invitae), Labcorp
Classification: Uncertain significance for X-linked myopathy with postural muscle atrophy. Last evaluated: 2025-06-17. Review status: criteria provided, single submitter. Criteria: Invitae Variant Classification Sherloc (09022015). Collection method: clinical testing. Allele origin: germline.
Comment: This sequence change replaces glutamine, which is neutral and polar, with proline, which is neutral and non-polar, at codon 21 of the FHL1 protein (p.Gln21Pro). This variant is not present in population databases (gnomAD no frequency). This variant has not been reported in the literature in individuals affected with FHL1-related conditions. An algorithm developed to predict the effect of missense changes on protein structure and function (PolyPhen-2) suggests that this variant is likely to be disruptive. In summary, the available evidence is currently insufficient to determine the role of this variant in disease. Therefore, it has been classified as a Variant of Uncertain Significance.